The following is an entry in ClinVar:

NM_006306.4(SMC1A):c.2173C>T (p.Arg725Ter)

Gene: SMC1A (structural maintenance of chromosomes 1A; minus strand). Cytogenetic location: Xp11.22.
Variant type: single nucleotide variant.
Coding change: c.2173C>T on transcript NM_006306.4 (MANE Select); coding-DNA position 2173, C replaced by T.
Protein change: p.Arg725Ter; replaces arginine 725 with a stop codon.
Molecular consequence: nonsense.
Genome position (GRCh38, 1-based): chrX:53,405,035, G>A on the plus strand (C>T on the coding strand, the complement: SMC1A is on the minus strand). VCF-style: chrX-53405035-G-A. GRCh37 (hg19) VCF-style: chrX-53431967-G-A.
Other names: c.2107C>T, p.Arg703Ter (NM_001281463.1); short protein forms R725*, R703*.
Identifiers: ClinVar variation 1351269 (VCV001351269.8), dbSNP rs2146599304, ClinGen allele CA413251618.
Genomic context (GRCh38, chrX:53,405,035, plus strand): 5'-TGGCCTTTGGAGAACAGGGCTGAAGGCCAGGCCCCACCTGCAGATTCAGGGCTAGATGTC[G>A]TGTCTTGGTCTGTTCTAGGTCACTCTGGGAGTACTTGAGCCGCATCTGCAGTCCATGGGC-3'

ClinVar aggregate classification (germline): Pathogenic. Review status: criteria provided, multiple submitters, no conflicts (2 of 4 stars). 2 submissions from 2 submitters: Pathogenic (2). Last evaluated 2024-01-11.

Conditions:
Epileptic encephalopathy. Identifiers: MedGen C0543888, HP:0200134.
Congenital muscular hypertrophy-cerebral syndrome (CDLS2). Also called: Cornelia de Lange syndrome 2; SMC1A-Related Cornelia de Lange Syndrome. Identifiers: Orphanet 199, MedGen C1802395, MONDO:0010370, OMIM 300590.

Submissions (2):

Unidad de Genómica Garrahan, Hospital de Pediatría Garrahan
Classification: Pathogenic for Epileptic encephalopathy. Last evaluated: 2024-01-11. Review status: criteria provided, single submitter. Criteria: ACMG Guidelines, 2015. Collection method: clinical testing. Allele origin: germline. Affected: yes.

Labcorp Genetics (formerly Invitae), Labcorp
Classification: Pathogenic for Congenital muscular hypertrophy-cerebral syndrome. Last evaluated: 2021-02-04. Review status: criteria provided, single submitter. Criteria: Invitae Variant Classification Sherloc (09022015). Collection method: clinical testing. Allele origin: germline.
Comment: For these reasons, this variant has been classified as Pathogenic. This variant has not been reported in the literature in individuals with SMC1A-related conditions. This variant is not present in population databases (ExAC no frequency). This sequence change creates a premature translational stop signal (p.Arg725*) in the SMC1A gene. It is expected to result in an absent or disrupted protein product. Loss-of-function variants in SMC1A are known to be pathogenic (PMID: 26386245, 27334371, 28166369, 28548707, 31334757).

Literature cited by the submitters: PubMed 26386245 (cited by Labcorp Genetics (formerly Invitae), Labcorp); PubMed 27334371 (cited by Labcorp Genetics (formerly Invitae), Labcorp); PubMed 28166369 (cited by Labcorp Genetics (formerly Invitae), Labcorp); PubMed 28548707 (cited by Labcorp Genetics (formerly Invitae), Labcorp); PubMed 31334757 (cited by Labcorp Genetics (formerly Invitae), Labcorp).